The following is an entry in ClinVar:

ClinVar aggregate classification (germline): Uncertain significance. Review status: criteria provided, multiple submitters, no conflicts (2 of 4 stars). 3 submissions from 3 submitters: Uncertain significance (3). Last evaluated 2025-08-11.

Conditions:
Hereditary cancer-predisposing syndrome. Also called: Neoplastic Syndromes, Hereditary; Tumor predisposition; Hereditary neoplastic syndrome; Hereditary Cancer Syndrome. Identifiers: Orphanet 140162, MedGen C0027672, MeSH D009386, MONDO:0015356.
Hereditary nonpolyposis colorectal neoplasms. Identifiers: MedGen C0009405, MeSH D003123.

Allele frequency attached by ClinVar (database versions not stated): gnomAD exomes below 0.00001.

Submissions (3):

Labcorp Genetics (formerly Invitae), Labcorp
Classification: Uncertain significance for Hereditary nonpolyposis colorectal neoplasms. Last evaluated: 2025-08-11. Review status: criteria provided, single submitter. Criteria: Invitae Variant Classification Sherloc (09022015). Collection method: clinical testing. Allele origin: germline.
Comment: This sequence change replaces tyrosine, which is neutral and polar, with cysteine, which is neutral and slightly polar, at codon 436 of the MSH6 protein (p.Tyr436Cys). This variant is not present in population databases (gnomAD no frequency). This variant has not been reported in the literature in individuals affected with MSH6-related conditions. ClinVar contains an entry for this variant (Variation ID: 629105). Invitae Evidence Modeling of protein sequence and biophysical properties (such as structural, functional, and spatial information, amino acid conservation, physicochemical variation, residue mobility, and thermodynamic stability) has been performed for this missense variant. However, the output from this modeling did not meet the statistical confidence thresholds required to predict the impact of this variant on MSH6 protein function. In summary, the available evidence is currently insufficient to determine the role of this variant in disease. Therefore, it has been classified as a Variant of Uncertain Significance.

Ambry Genetics
Classification: Uncertain significance for Hereditary cancer-predisposing syndrome. Last evaluated: 2019-10-18. Review status: criteria provided, single submitter. Criteria: Ambry Variant Classification Scheme 2023. Collection method: clinical testing. Allele origin: germline.
Comment: The p.Y436C variant (also known as c.1307A>G), located in coding exon 4 of the MSH6 gene, results from an A to G substitution at nucleotide position 1307. The tyrosine at codon 436 is replaced by cysteine, an amino acid with highly dissimilar properties. This amino acid position is highly conserved in available vertebrate species. In addition, this alteration is predicted to be deleterious by in silico analysis. Since supporting evidence is limited at this time, the clinical significance of this alteration remains unclear.

Color Diagnostics, LLC DBA Color Health
Classification: Uncertain significance for Hereditary cancer-predisposing syndrome. Last evaluated: 2018-08-29. Review status: criteria provided, single submitter. Criteria: ACMG Guidelines, 2015. Collection method: clinical testing. Allele origin: germline.

NM_000179.3(MSH6):c.1307A>G (p.Tyr436Cys)

Gene: MSH6 (mutS homolog 6; plus strand). Cytogenetic location: 2p16.3.
Variant type: single nucleotide variant.
Coding change: c.1307A>G on transcript NM_000179.3 (MANE Select); coding-DNA position 1307, A replaced by G.
Protein change: p.Tyr436Cys; replaces tyrosine 436 with cysteine.
Molecular consequence: missense variant.
Genome position (GRCh38, 1-based): chr2:47,799,290, A>G. VCF-style: chr2-47799290-A-G. GRCh37 (hg19) VCF-style: chr2-48026429-A-G.
Other names: c.917A>G, p.Tyr306Cys (NM_001281492.2); c.401A>G, p.Tyr134Cys (NM_001281493.2, NM_001281494.2); short protein forms Y436C, Y306C, Y134C.
Identifiers: ClinVar variation 629105 (VCV000629105.9), dbSNP rs1558661296, ClinGen allele CA346744328.